The following is an entry in ClinVar:

NM_199355.4(ADAMTS18):c.570C>G (p.Asn190Lys)

Gene: ADAMTS18 (ADAM metallopeptidase with thrombospondin type 1 motif 18; minus strand). Cytogenetic location: 16q23.1.
Variant type: single nucleotide variant.
Coding change: c.570C>G on transcript NM_199355.4 (MANE Select); coding-DNA position 570, C replaced by G.
Protein change: p.Asn190Lys; replaces asparagine 190 with lysine.
Molecular consequence: missense variant.
Genome position (GRCh38, 1-based): chr16:77,367,649, G>C on the plus strand (C>G on the coding strand, the complement: ADAMTS18 is on the minus strand). VCF-style: chr16-77367649-G-C. GRCh37 (hg19) VCF-style: chr16-77401546-G-C.
Other names: c.570C>G (NM_199355.2); c.50C>G, p.Thr17Ser (NM_001326358.2); short protein forms N190K, T17S.
Identifiers: ClinVar variation 1940940 (VCV001940940.9), dbSNP rs373069226, ClinGen allele CA284377412.

ClinVar aggregate classification (germline): Uncertain significance. Review status: criteria provided, multiple submitters, no conflicts (2 of 4 stars). 3 submissions from 3 submitters: Uncertain significance (3). Last evaluated 2025-12-09.

Conditions:
Inborn genetic diseases. Identifiers: MedGen C0950123, MeSH D030342.

gnomAD v4.1: 147 of 1,614,066 alleles (0.0091%); highest among the groups gnomAD compares: Non-Finnish European, 0.012%; no homozygotes.

Submissions (3):

Ambry Genetics
Classification: Uncertain significance for Inborn genetic diseases. Last evaluated: 2025-12-09. Review status: criteria provided, single submitter. Criteria: Ambry Variant Classification Scheme 2023. Collection method: clinical testing. Allele origin: germline.

Labcorp Genetics (formerly Invitae), Labcorp
Classification: Uncertain significance. Last evaluated: 2022-11-28. Review status: criteria provided, single submitter. Criteria: Invitae Variant Classification Sherloc (09022015). Collection method: clinical testing. Allele origin: germline.
Comment: This sequence change replaces asparagine, which is neutral and polar, with lysine, which is basic and polar, at codon 190 of the ADAMTS18 protein (p.Asn190Lys). This variant is present in population databases (no rsID available, gnomAD 0.01%). This variant has not been reported in the literature in individuals affected with ADAMTS18-related conditions. Algorithms developed to predict the effect of missense changes on protein structure and function are either unavailable or do not agree on the potential impact of this missense change (SIFT: "Not Available"; PolyPhen-2: "Benign"; Align-GVGD: "Not Available"). In summary, the available evidence is currently insufficient to determine the role of this variant in disease. Therefore, it has been classified as a Variant of Uncertain Significance.

Blueprint Genetics
Classification: Uncertain significance. Last evaluated: 2021-07-28. Review status: criteria provided, single submitter. Criteria: ACMG Guidelines, 2015. Collection method: clinical testing. Allele origin: germline.